The following is an entry in ClinVar:

ClinVar aggregate classification (germline): Uncertain significance (1 of 4 stars; one submission).

Submission:

Labcorp Genetics (formerly Invitae), Labcorp
Classification: Uncertain significance. Last evaluated: 2022-07-04. Review status: criteria provided, single submitter. Criteria: Invitae Variant Classification Sherloc (09022015). Collection method: clinical testing. Allele origin: germline.
Comment: Algorithms developed to predict the effect of missense changes on protein structure and function output the following: SIFT: "Not Available"; PolyPhen-2: "Benign"; Align-GVGD: "Not Available". The proline amino acid residue is found in multiple mammalian species, which suggests that this missense change does not adversely affect protein function. This variant has not been reported in the literature in individuals affected with ADAMTS18-related conditions. This variant is not present in population databases (gnomAD no frequency). This sequence change replaces glutamine, which is neutral and polar, with proline, which is neutral and non-polar, at codon 237 of the ADAMTS18 protein (p.Gln237Pro). In summary, the available evidence is currently insufficient to determine the role of this variant in disease. Therefore, it has been classified as a Variant of Uncertain Significance.

NM_199355.4(ADAMTS18):c.710A>C (p.Gln237Pro)

Gene: ADAMTS18 (ADAM metallopeptidase with thrombospondin type 1 motif 18; minus strand). Cytogenetic location: 16q23.1.
Variant type: single nucleotide variant.
Coding change: c.710A>C on transcript NM_199355.4 (MANE Select); coding-DNA position 710, A replaced by C.
Protein change: p.Gln237Pro; replaces glutamine 237 with proline.
Molecular consequence: missense variant. On other transcripts: synonymous variant (1).
Genome position (GRCh38, 1-based): chr16:77,367,509, T>G on the plus strand (A>C on the coding strand, the complement: ADAMTS18 is on the minus strand). VCF-style: chr16-77367509-T-G. GRCh37 (hg19) VCF-style: chr16-77401406-T-G.
Other names: c.190A>C, p.Arg64= (NM_001326358.2); short protein forms Q237P.
Identifiers: ClinVar variation 2073766 (VCV002073766.4), dbSNP rs2543756606, ClinGen allele CA396824011.